The following is an entry in ClinVar:

NM_004168.4(SDHA):c.920T>C (p.Ile307Thr)

Gene: SDHA (succinate dehydrogenase complex flavoprotein subunit A; plus strand). Cytogenetic location: 5p15.33.
Variant type: single nucleotide variant.
Coding change: c.920T>C on transcript NM_004168.4 (MANE Select); coding-DNA position 920, T replaced by C.
Protein change: p.Ile307Thr; replaces isoleucine 307 with threonine.
Molecular consequence: missense variant.
Genome position (GRCh38, 1-based): chr5:233,501, T>C. VCF-style: chr5-233501-T-C. GRCh37 (hg19) VCF-style: chr5-233616-T-C.
Other names: c.776T>C, p.Ile259Thr (NM_001294332.2); c.920T>C, p.Ile307Thr (NM_001330758.2); short protein forms I307T, I259T.
Identifiers: ClinVar variation 2951468 (VCV002951468.3), dbSNP rs2477348482, ClinGen allele CA359012561.
Genomic context (GRCh38, chr5:233,501, plus strand): 5'-AATTGTTAGGTAATAAATATGTGTGGTTTTTTGCAGGCATATATGGTGCTGGTTGTCTCA[T>C]TACGGAAGGATGTCGTGGAGAGGGAGGCATTCTCATTAACAGTCAAGGCGAAAGGTTTAT-3'
Protein context (NP_004159.2, residues 297-317): PTGIYGAGCL[Ile307Thr]TEGCRGEGGI

ClinVar aggregate classification (germline): Uncertain significance (1 of 4 stars; one submission).

Conditions:
Mitochondrial complex II deficiency, nuclear type 1. Also called: SUCCINATE CoQ REDUCTASE DEFICIENCY. Identifiers: Orphanet 3208, MedGen C5700310, MONDO:0100294, OMIM 252011.
Pheochromocytoma/paraganglioma syndrome 5. Also called: Paragangliomas 5; SDHA-Related Hereditary Paraganglioma-Pheochromocytoma Syndrome. Identifiers: Orphanet 29072, MedGen C3279992, MONDO:0013602, OMIM 614165.

Submission:

Labcorp Genetics (formerly Invitae), Labcorp
Classification: Uncertain significance for Pheochromocytoma/paraganglioma syndrome 5; Mitochondrial complex II deficiency, nuclear type 1. Last evaluated: 2023-08-31. Review status: criteria provided, single submitter. Criteria: Invitae Variant Classification Sherloc (09022015). Collection method: clinical testing. Allele origin: germline.
Comment: This variant has not been reported in the literature in individuals affected with SDHA-related conditions. Advanced modeling of protein sequence and biophysical properties (such as structural, functional, and spatial information, amino acid conservation, physicochemical variation, residue mobility, and thermodynamic stability) has been performed at Invitae for this missense variant, however the output from this modeling did not meet the statistical confidence thresholds required to predict the impact of this variant on SDHA protein function. This variant is not present in population databases (gnomAD no frequency). This sequence change replaces isoleucine, which is neutral and non-polar, with threonine, which is neutral and polar, at codon 307 of the SDHA protein (p.Ile307Thr). In summary, the available evidence is currently insufficient to determine the role of this variant in disease. Therefore, it has been classified as a Variant of Uncertain Significance.